The following is an entry in ClinVar:

ClinVar aggregate classification (germline): Likely pathogenic (1 of 4 stars; one submission).

Conditions:
Familial ovarian cancer. Identifiers: MedGen C5679802, MONDO:0016248.

Submission:

Myriad Genetics, Inc.
Classification: Likely pathogenic for Familial ovarian cancer. Last evaluated: 2025-10-06. Review status: criteria provided, single submitter. Criteria: Myriad Autosomal Dominant, Autosomal Recessive and X-Linked Classification Criteria (2023). Collection method: clinical testing. Allele origin: unknown.
Comment: This variant is considered likely pathogenic. Functional studies indicate this variant impacts protein function [PMID: 24573678]. This variant has been reported in an individual with clinical features of gene-specific disease [PMID: 16116423].

Literature cited by the submitters: PubMed 24573678; PubMed 16116423.

NM_032043.3(BRIP1):c.765G>C (p.Gln255His)

Gene: BRIP1 (BRCA1 interacting DNA helicase 1; minus strand). Cytogenetic location: 17q23.2.
Variant type: single nucleotide variant.
Coding change: c.765G>C on transcript NM_032043.3 (MANE Select); coding-DNA position 765, G replaced by C.
Protein change: p.Gln255His; replaces glutamine 255 with histidine.
Molecular consequence: missense variant.
Genome position (GRCh38, 1-based): chr17:61,808,620, C>G on the plus strand (G>C on the coding strand, the complement: BRIP1 is on the minus strand). VCF-style: chr17-61808620-C-G. GRCh37 (hg19) VCF-style: chr17-59885981-C-G.
Other names: short protein forms Q255H.
Identifiers: ClinVar variation 2583462 (VCV002583462.3), dbSNP rs2078111971, ClinGen allele CA400484956.
Genomic context (GRCh38, chr17:61,808,620, plus strand): 5'-AATAGTCATTGGAACCCCTGAATATGCCGTCCTCCGGAGCTCTCTAGTAATCTGAGCAAT[C>G]TGCTTGTGTGTGCGTGTCCCAAAATATATTTTGGGTATCTTGGATTTCCCTGTATGATCC-3'
Protein context (NP_114432.2, residues 245-265): KIYFGTRTHK[Gln255His]IAQITRELRR